The following is an entry in ClinVar:

ClinVar aggregate classification (germline): Pathogenic/Likely pathogenic. Review status: criteria provided, multiple submitters, no conflicts (2 of 4 stars). 2 submissions from 2 submitters: Pathogenic (1); Likely pathogenic (1). Last evaluated 2024-02-25.

Submissions (2):

Labcorp Genetics (formerly Invitae), Labcorp
Classification: Pathogenic. Last evaluated: 2024-02-25. Review status: criteria provided, single submitter. Criteria: Invitae Variant Classification Sherloc (09022015). Collection method: clinical testing. Allele origin: germline.
Comment: This sequence change creates a premature translational stop signal (p.Ala197*) in the EIF2B1 gene. It is expected to result in an absent or disrupted protein product. Loss-of-function variants in EIF2B1 are known to be pathogenic (PMID: 11835386, 32865661). This variant is present in population databases (rs768945314, gnomAD 0.006%). This variant has not been reported in the literature in individuals affected with EIF2B1-related conditions. ClinVar contains an entry for this variant (Variation ID: 1176971). For these reasons, this variant has been classified as Pathogenic.

CeGaT Center for Human Genetics Tuebingen
Classification: Likely pathogenic. Last evaluated: 2021-04-01. Review status: criteria provided, single submitter. Criteria: CeGaT Center For Human Genetics Tuebingen Variant Classification Criteria Version 2. Collection method: clinical testing. Allele origin: germline. Affected: yes. Observed: 1 variant allele.

Literature cited by the submitters: PubMed 11835386 (cited by Labcorp Genetics (formerly Invitae), Labcorp); PubMed 32865661 (cited by Labcorp Genetics (formerly Invitae), Labcorp).

NM_001414.4(EIF2B1):c.588_589del (p.Gly196_Ala197insTer)

Gene: EIF2B1 (eukaryotic translation initiation factor 2B subunit alpha; minus strand). Cytogenetic location: 12q24.31.
Variant type: Deletion.
Coding change: c.588_589del on transcript NM_001414.4 (MANE Select); coding-DNA positions 588 to 589, 2 bases deleted (TG; older notation c.588_589delTG).
Protein change: p.Gly196_Ala197insTer.
Molecular consequence: frameshift variant.
Genome position (GRCh38, 1-based): chr12:123,624,825-123,624,826, CA deleted on the plus strand (TG on the coding strand, the reverse complement: EIF2B1 is on the minus strand); deleting any 2 consecutive bases within chr12:123,624,825-123,624,827 gives the same sequence; the c. name uses the placement nearest the transcript's 3' end. VCF-style (leftmost placement, unchanged base first): chr12-123624824-GCA-G. GRCh37 (hg19) VCF-style: chr12-124109371-GCA-G.
Identifiers: ClinVar variation 1176971 (VCV001176971.40), dbSNP rs768945314, ClinGen allele CA6860013.
Genomic context (GRCh38, chr12:123,624,824, plus strand): 5'-CTGGGGAGAACTGATGCTCTTACCTTGTTAATAATTCCTCCGTTTTCAACAACTCCTTCA[GCA>G]CCAACTATGACAAGATCTGCTTTCTCCATGATGTAGCTAAGGGGAAAAAAAGCTTTTCAT-3'